The following is an entry in ClinVar:

ClinVar aggregate classification (germline): Likely benign (0 of 4 stars; one submission).

Conditions:
SLC22A25-related disorder. Also called: SLC22A25-related condition.

Allele frequency attached by ClinVar (database versions not stated): gnomAD exomes 0.00242; ESP Exome Variant Server 0.00246; 1000 Genomes Project 0.00040; 1000 Genomes Project 30x 0.00047; TOPMed 0.00131; gnomAD 0.00143; ExAC 0.00146.
gnomAD v4.1: 3,707 of 1,614,118 alleles (0.23%); highest among the groups gnomAD compares: Non-Finnish European, 0.3%; 9 homozygotes.

Submission:

PreventionGenetics, part of Exact Sciences
Classification: Likely benign for SLC22A25-related condition. Last evaluated: 2022-03-18. Review status: no assertion criteria provided. Collection method: clinical testing. Allele origin: germline.
Comment: This variant is classified as likely benign based on ACMG/AMP sequence variant interpretation guidelines (Richards et al. 2015 PMID: 25741868, with internal and published modifications).

NM_199352.6(SLC22A25):c.94T>C (p.Tyr32His)

Gene: SLC22A25 (solute carrier family 22 member 25; minus strand). Cytogenetic location: 11q12.3.
Variant type: single nucleotide variant.
Coding change: c.94T>C on transcript NM_199352.6 (MANE Select); coding-DNA position 94, T replaced by C.
Protein change: p.Tyr32His; replaces tyrosine 32 with histidine.
Molecular consequence: missense variant.
Genome position (GRCh38, 1-based): chr11:63,229,559, A>G on the plus strand (T>C on the coding strand, the complement: SLC22A25 is on the minus strand). VCF-style: chr11-63229559-A-G. GRCh37 (hg19) VCF-style: chr11-62997031-A-G.
Other names: c.94T>C, p.Tyr32His (NM_001394058.1, NM_001394059.1); short protein forms Y32H.
Identifiers: ClinVar variation 3033447 (VCV003033447.2), dbSNP rs34499840, ClinGen allele CA6060924.